The following is an entry in ClinVar:

ClinVar aggregate classification (germline): Uncertain significance (1 of 4 stars; one submission).

Allele frequency attached by ClinVar (database versions not stated): gnomAD exomes 0.00001.

Submission:

GeneDx
Classification: Uncertain significance. Last evaluated: 2025-07-21. Review status: criteria provided, single submitter. Criteria: GeneDx Variant Classification Process June 2021. Collection method: clinical testing. Allele origin: germline.
Comment: In silico analysis supports that this missense variant has a deleterious effect on protein structure/function; Has not been previously published as pathogenic or benign to our knowledge

NM_001375524.1(TRRAP):c.3146A>C (p.Tyr1049Ser)

Gene: TRRAP (transformation/transcription domain associated protein; plus strand). Cytogenetic location: 7q22.1.
Variant type: single nucleotide variant.
Coding change: c.3146A>C on transcript NM_001375524.1 (MANE Select); coding-DNA position 3146, A replaced by C.
Protein change: p.Tyr1049Ser; replaces tyrosine 1049 with serine.
Molecular consequence: missense variant.
Genome position (GRCh38, 1-based): chr7:98,927,337, A>C. VCF-style: chr7-98927337-A-C. GRCh37 (hg19) VCF-style: chr7-98524960-A-C.
Other names: c.3146A>C, p.Tyr1049Ser (NM_001244580.2, NM_003496.4); short protein forms Y1049S.
Identifiers: ClinVar variation 2504945 (VCV002504945.2), dbSNP rs1554411754, ClinGen allele CA368297623.